The following is an entry in ClinVar:

ClinVar aggregate classification (germline): Conflicting classifications of pathogenicity. Review status: criteria provided, conflicting classifications (1 of 4 stars). 4 submissions from 4 submitters: Uncertain significance (3); Benign (1). Last evaluated 2026-01-06.

Conditions:
Thrombocytopenia 2 (THC2). Also called: ANKRD26-Related Thrombocytopenia. Identifiers: Orphanet 268322, MedGen C1861185, MONDO:0008555, OMIM 188000.
Inborn genetic diseases. Identifiers: MedGen C0950123, MeSH D030342.

Allele frequency attached by ClinVar (database versions not stated): gnomAD 0.00002; gnomAD exomes 0.00002 and 0.00004; TOPMed 0.00002; ExAC 0.00005.
gnomAD v4.1: 40 of 1,597,112 alleles (0.0025%); highest among the groups gnomAD compares: South Asian, 0.019%; 1 homozygote.

Submissions (4):

Labcorp Genetics (formerly Invitae), Labcorp
Classification: Uncertain significance. Last evaluated: 2026-01-06. Review status: criteria provided, single submitter. Criteria: Invitae Variant Classification Sherloc (09022015). Collection method: clinical testing. Allele origin: germline.
Comment: This sequence change replaces alanine, which is neutral and non-polar, with threonine, which is neutral and polar, at codon 407 of the ANKRD26 protein (p.Ala407Thr). This variant is present in population databases (rs200982037, gnomAD 0.02%). This variant has not been reported in the literature in individuals affected with ANKRD26-related conditions. ClinVar contains an entry for this variant (Variation ID: 878897). An algorithm developed to predict the effect of missense changes on protein structure and function outputs the following: PolyPhen-2: "Benign". The threonine amino acid residue is found in multiple mammalian species, which suggests that this missense change does not adversely affect protein function. Algorithms developed to predict the effect of sequence changes on RNA splicing suggest that this variant may disrupt the consensus splice site. In summary, the available evidence is currently insufficient to determine the role of this variant in disease. Therefore, it has been classified as a Variant of Uncertain Significance.

Ambry Genetics
Classification: Uncertain significance for Inborn genetic diseases. Last evaluated: 2024-12-13. Review status: criteria provided, single submitter. Criteria: Ambry Variant Classification Scheme 2023. Collection method: clinical testing. Allele origin: germline.
Comment: The p.A407T variant (also known as c.1219G>A), located in coding exon 11 of the ANKRD26 gene, results from a G to A substitution at nucleotide position 1219. The alanine at codon 407 is replaced by threonine, an amino acid with similar properties. This amino acid position is conserved. In addition, this alteration is predicted to be tolerated by in silico analysis. Based on the available evidence, the clinical significance of this variant remains unclear.

GeneDx
Classification: Uncertain significance. Last evaluated: 2024-06-09. Review status: criteria provided, single submitter. Criteria: GeneDx Variant Classification Process June 2021. Collection method: clinical testing. Allele origin: germline. Affected: yes.
Comment: In silico analysis indicates that this missense variant does not alter protein structure/function; In silico analysis is inconclusive as to whether the variant alters gene splicing. In the absence of RNA/functional studies, the actual effect of this sequence change is unknown; Has not been previously published as pathogenic or benign to our knowledge

Illumina Laboratory Services, Illumina
Classification: Benign for Thrombocytopenia 2. Last evaluated: 2018-01-13. Review status: criteria provided, single submitter. Criteria: ICSL Variant Classification Criteria 13 December 2019. Collection method: clinical testing. Allele origin: germline.
Comment: This variant was observed in the ICSL laboratory as part of a predisposition screen in an ostensibly healthy population. It had not been previously curated by ICSL or reported in the Human Gene Mutation Database (HGMD: prior to June 1st, 2018), and was therefore a candidate for classification through an automated scoring system. Utilizing variant allele frequency, disease prevalence and penetrance estimates, and inheritance mode, an automated score was calculated to assess if this variant is too frequent to cause the disease. Based on the score and internal cut-off values, a variant classified as benign is not then subjected to further curation. The score for this variant resulted in a classification of benign for this disease.

NM_014915.3(ANKRD26):c.1219G>A (p.Ala407Thr)

Gene: ANKRD26 (ankyrin repeat domain 26; minus strand). Cytogenetic location: 10p12.1.
Variant type: single nucleotide variant.
Coding change: c.1219G>A on transcript NM_014915.3 (MANE Select); coding-DNA position 1219, G replaced by A.
Protein change: p.Ala407Thr; replaces alanine 407 with threonine.
Molecular consequence: missense variant.
Genome position (GRCh38, 1-based): chr10:27,066,537, C>T on the plus strand (G>A on the coding strand, the complement: ANKRD26 is on the minus strand). VCF-style: chr10-27066537-C-T. GRCh37 (hg19) VCF-style: chr10-27355466-C-T.
Other names: c.1219G>A, p.Ala407Thr (NM_001256053.2); short protein forms A407T.
Identifiers: ClinVar variation 878897 (VCV000878897.10), dbSNP rs200982037, ClinGen allele CA5448638.